The following is an entry in ClinVar:

NM_002430.3(MN1):c.658C>G (p.Arg220Gly)

Gene: MN1 (MN1 proto-oncogene, transcriptional regulator; minus strand). Cytogenetic location: 22q12.1.
Variant type: single nucleotide variant.
Coding change: c.658C>G on transcript NM_002430.3 (MANE Select); coding-DNA position 658, C replaced by G.
Protein change: p.Arg220Gly; replaces arginine 220 with glycine.
Molecular consequence: missense variant.
Genome position (GRCh38, 1-based): chr22:27,799,886, G>C on the plus strand (C>G on the coding strand, the complement: MN1 is on the minus strand). VCF-style: chr22-27799886-G-C. GRCh37 (hg19) VCF-style: chr22-28195874-G-C.
Other names: short protein forms R220G.
Identifiers: ClinVar variation 5021054 (VCV005021054.1).

ClinVar aggregate classification (germline): Uncertain significance (1 of 4 stars; one submission).

Submission:

Dasa
Classification: Uncertain significance. Last evaluated: 2024-11-04. Review status: criteria provided, single submitter. Criteria: DASA Assertion Criteria. Collection method: clinical testing. Allele origin: germline.
Comment: NM_002430.3(MN1):c.658C>G (p.Arg220Gly) is a missense variant that results in the substitution of arginine with glycine. This variant is absent from population databases. Computational prediction algorithms are consistent with a benign effect. The currently available literature and clinical evidence are not sufficient to establish a definitive association between this variant and the reported condition. Therefore, this variant is classified as a variant of uncertain significance.